The following is an entry in ClinVar:

ClinVar aggregate classification (germline): Benign/Likely benign. Review status: criteria provided, multiple submitters, no conflicts (2 of 4 stars). 3 submissions from 3 submitters: Benign (2); Likely benign (1). Last evaluated 2026-01-28.

Conditions:
Methylmalonic acidemia with homocystinuria, type cblX (MAHCX). Also called: INTELLECTUAL DEVELOPMENTAL DISORDER, X-LINKED 3. Identifiers: Orphanet 369962, MedGen C0796208, MONDO:0010657, OMIM 309541.

Allele frequency attached by ClinVar (database versions not stated): gnomAD exomes 0.00044 and 0.00111; ExAC 0.00278; ESP Exome Variant Server 0.00443; gnomAD 0.00501 and 0.00511; TOPMed 0.00548; 1000 Genomes Project 30x 0.00770; 1000 Genomes Project 0.00874.

Submissions (3):

Labcorp Genetics (formerly Invitae), Labcorp
Classification: Benign for Methylmalonic acidemia with homocystinuria, type cblX. Last evaluated: 2026-01-28. Review status: criteria provided, single submitter. Criteria: Invitae Variant Classification Sherloc (09022015). Collection method: clinical testing. Allele origin: germline.

Blueprint Genetics
Classification: Likely benign. Last evaluated: 2024-07-01. Review status: criteria provided, single submitter. Criteria: ACMG Guidelines, 2015. Collection method: clinical testing. Allele origin: germline.

GeneDx
Classification: Benign. Last evaluated: 2017-07-03. Review status: criteria provided, single submitter. Criteria: GeneDx Variant Classification (06012015). Collection method: clinical testing. Allele origin: germline. Affected: yes.
Comment: This variant is considered likely benign or benign based on one or more of the following criteria: it is a conservative change, it occurs at a poorly conserved position in the protein, it is predicted to be benign by multiple in silico algorithms, and/or has population frequency not consistent with disease.

NM_005334.3(HCFC1):c.3615C>T (p.Ser1205=)

Gene: HCFC1 (host cell factor C1; minus strand). Cytogenetic location: Xq28.
Variant type: single nucleotide variant.
Coding change: c.3615C>T on transcript NM_005334.3 (MANE Select); coding-DNA position 3615, C replaced by T.
Protein change: p.Ser1205=; no amino-acid change (serine 1205 retained).
Molecular consequence: synonymous variant.
Genome position (GRCh38, 1-based): chrX:153,954,784, G>A on the plus strand (C>T on the coding strand, the complement: HCFC1 is on the minus strand). VCF-style: chrX-153954784-G-A. GRCh37 (hg19) VCF-style: chrX-153220235-G-A.
Identifiers: ClinVar variation 517102 (VCV000517102.13), dbSNP rs3027882, ClinGen allele CA10557162.